The following is an entry in ClinVar:

ClinVar aggregate classification (germline): Likely benign. Review status: criteria provided, multiple submitters, no conflicts (2 of 4 stars). 2 submissions from 2 submitters: Likely benign (2). Last evaluated 2025-08-01.

Conditions:
Rhabdoid tumor predisposition syndrome 2 (RTPS2). Identifiers: Orphanet 231108, Orphanet 69077, MedGen C2750074, MONDO:0013224, OMIM 613325.

Allele frequency attached by ClinVar (database versions not stated): gnomAD exomes below 0.00001.
gnomAD v4.1: 1 of 1,610,906 alleles (0.000062%); highest among the groups gnomAD compares: Non-Finnish European, 0.000085%; no homozygotes.

Submissions (2):

CeGaT Center for Human Genetics Tuebingen
Classification: Likely benign. Last evaluated: 2025-08-01. Review status: criteria provided, single submitter. Criteria: CeGaT Center For Human Genetics Tuebingen Variant Classification Criteria Version 2. Collection method: clinical testing. Allele origin: germline. Affected: yes. Observed: 1 variant allele.
Comment: SMARCA4: BP4, BP7

Labcorp Genetics (formerly Invitae), Labcorp
Classification: Likely benign for Rhabdoid tumor predisposition syndrome 2. Last evaluated: 2022-08-06. Review status: criteria provided, single submitter. Criteria: Invitae Variant Classification Sherloc (09022015). Collection method: clinical testing. Allele origin: germline.

NM_003072.5(SMARCA4):c.1380G>A (p.Gln460=)

Gene: SMARCA4 (SWI/SNF related BAF chromatin remodeling complex subunit ATPase 4; plus strand). Cytogenetic location: 19p13.2.
Variant type: single nucleotide variant.
Coding change: c.1380G>A on transcript NM_003072.5 (MANE Select); coding-DNA position 1380, G replaced by A.
Protein change: p.Gln460=; no amino-acid change (glutamine 460 retained).
Molecular consequence: synonymous variant. On other transcripts: non-coding transcript variant (1).
Genome position (GRCh38, 1-based): chr19:10,991,284, G>A. VCF-style: chr19-10991284-G-A. GRCh37 (hg19) VCF-style: chr19-11101960-G-A.
Other names: c.1380G>A, p.Gln460= (NM_001128844.3, NM_001128845.2, NM_001128846.2 and 6 more transcripts).
Identifiers: ClinVar variation 2021719 (VCV002021719.12), dbSNP rs2145881729, ClinGen allele CA505490154.